The following is an entry in ClinVar:

NM_001134673.4(NFIA):c.188A>G (p.Glu63Gly)

Gene: NFIA (nuclear factor I A; plus strand). Cytogenetic location: 1p31.3.
Variant type: single nucleotide variant.
Coding change: c.188A>G on transcript NM_001134673.4 (MANE Select); coding-DNA position 188, A replaced by G.
Protein change: p.Glu63Gly; replaces glutamic acid 63 with glycine.
Molecular consequence: missense variant.
Genome position (GRCh38, 1-based): chr1:61,088,309, A>G. VCF-style: chr1-61088309-A-G. GRCh37 (hg19) VCF-style: chr1-61553981-A-G.
Other names: c.164A>G, p.Glu55Gly (NM_001145511.2); c.323A>G, p.Glu108Gly (NM_001145512.2); c.188A>G, p.Glu63Gly (NM_005595.5); short protein forms E108G, E55G, E63G.
Identifiers: ClinVar variation 2503167 (VCV002503167.1), dbSNP rs2524199840, ClinGen allele CA340586485.

ClinVar aggregate classification (germline): Uncertain significance (1 of 4 stars; one submission).

Submission:

GeneDx
Classification: Uncertain significance. Last evaluated: 2022-11-23. Review status: criteria provided, single submitter. Criteria: GeneDx Variant Classification Process June 2021. Collection method: clinical testing. Allele origin: germline. Affected: yes.
Comment: Not observed at significant frequency in large population cohorts (gnomAD); In silico analysis supports that this missense variant has a deleterious effect on protein structure/function; Has not been previously published as pathogenic or benign to our knowledge